The following is an entry in ClinVar:

ClinVar aggregate classification (germline): Uncertain significance (1 of 4 stars; one submission).

Submission:

Labcorp Genetics (formerly Invitae), Labcorp
Classification: Uncertain significance. Last evaluated: 2022-10-30. Review status: criteria provided, single submitter. Criteria: Invitae Variant Classification Sherloc (09022015). Collection method: clinical testing. Allele origin: germline.
Comment: This sequence change replaces isoleucine, which is neutral and non-polar, with arginine, which is basic and polar, at codon 733 of the MSH3 protein (p.Ile733Arg). In summary, the available evidence is currently insufficient to determine the role of this variant in disease. Therefore, it has been classified as a Variant of Uncertain Significance. Algorithms developed to predict the effect of missense changes on protein structure and function are either unavailable or do not agree on the potential impact of this missense change (SIFT: "Deleterious"; PolyPhen-2: "Probably Damaging"; Align-GVGD: "Class C0"). This variant has not been reported in the literature in individuals affected with MSH3-related conditions. This variant is not present in population databases (gnomAD no frequency).

NM_002439.5(MSH3):c.2198T>G (p.Ile733Arg)

Gene: MSH3 (mutS homolog 3; plus strand). Cytogenetic location: 5q14.1.
Variant type: single nucleotide variant.
Coding change: c.2198T>G on transcript NM_002439.5 (MANE Select); coding-DNA position 2198, T replaced by G.
Protein change: p.Ile733Arg; replaces isoleucine 733 with arginine.
Molecular consequence: missense variant.
Genome position (GRCh38, 1-based): chr5:80,768,948, T>G. VCF-style: chr5-80768948-T-G. GRCh37 (hg19) VCF-style: chr5-80064767-T-G.
Other names: short protein forms I733R.
Identifiers: ClinVar variation 2792030 (VCV002792030.3), dbSNP rs2546774293, ClinGen allele CA360279605.